The following is an entry in ClinVar:

NC_000015.10:g.(?_44595249)_(44663657_?)del

Gene: SPG11 (SPG11 vesicle trafficking associated, spatacsin; minus strand). Cytogenetic location: 15q21.1.
Variant type: Deletion.
Identifiers: ClinVar variation 832272 (VCV000832272.2).

ClinVar aggregate classification (germline): Pathogenic (1 of 4 stars; one submission).

Conditions:
Hereditary spastic paraplegia 11. Also called: Spastic paraplegia, mental retardation and thin corpus callosum; Nakamura Osame syndrome; Autosomal recessive hereditary spastic paraplegia, mental impairment, and thin corpus callosum; SPASTIC PARAPLEGIA, AUTOSOMAL RECESSIVE, COMPLICATED, WITH THIN CORPUS CALLOSUM; SPASTIC PARAPLEGIA, AUTOSOMAL RECESSIVE, WITH MENTAL IMPAIRMENT AND THIN CORPUS CALLOSUM; Spastic Paraplegia 11. Identifiers: Orphanet 2822, MedGen C1858479, MONDO:0011445, OMIM 604360.

Submission:

Labcorp Genetics (formerly Invitae), Labcorp
Classification: Pathogenic for Hereditary spastic paraplegia 11. Last evaluated: 2019-04-22. Review status: criteria provided, single submitter. Criteria: Invitae Variant Classification Sherloc (09022015). Collection method: clinical testing. Allele origin: germline.
Comment: This variant is a gross deletion of the genomic region encompassing exons 1 to 26 of the SPG11 gene, which includes the initiator codon. The 5' end of this event is unknown as it extends beyond the assayed region for this gene and therefore may encompass additional genes. The 3' boundary is likely confined to intron 26 of the SPG11 gene. This is expected to result in an absent or disrupted protein product. This variant has not been reported in the literature in individuals with SPG11-related conditions. Loss-of-function variants in SPG11 are known to be pathogenic (PMID: 19105190, 20110243, 22154821, 26556829). For these reasons, this variant has been classified as Pathogenic.

Literature cited by the submitters: PubMed 19105190; PubMed 20110243; PubMed 22154821; PubMed 26556829.